The following is an entry in ClinVar:

ClinVar aggregate classification (germline): Uncertain significance (1 of 4 stars; one submission).

Conditions:
Long QT syndrome (LQTS). Identifiers: MedGen C0023976, MeSH D008133, MONDO:0002442. Disease mechanism: loss of function. Inheritance: Various modes of inheritance.

Submission:

Labcorp Genetics (formerly Invitae), Labcorp
Classification: Uncertain significance for Long QT syndrome. Last evaluated: 2024-10-18. Review status: criteria provided, single submitter. Criteria: Invitae Variant Classification Sherloc (09022015). Collection method: clinical testing. Allele origin: germline.
Comment: This sequence change replaces alanine, which is neutral and non-polar, with valine, which is neutral and non-polar, at codon 156 of the KCNH2 protein (p.Ala156Val). This variant is not present in population databases (gnomAD no frequency). This variant has not been reported in the literature in individuals affected with KCNH2-related conditions. An algorithm developed to predict the effect of missense changes on protein structure and function (PolyPhen-2) suggests that this variant is likely to be tolerated. In summary, the available evidence is currently insufficient to determine the role of this variant in disease. Therefore, it has been classified as a Variant of Uncertain Significance.

NM_000238.4(KCNH2):c.467C>T (p.Ala156Val)

Gene: KCNH2 (potassium voltage-gated channel subfamily H member 2; minus strand). Cytogenetic location: 7q36.1.
Variant type: single nucleotide variant.
Coding change: c.467C>T on transcript NM_000238.4 (MANE Select); coding-DNA position 467, C replaced by T.
Protein change: p.Ala156Val; replaces alanine 156 with valine.
Molecular consequence: missense variant. On other transcripts: non-coding transcript variant (1).
Genome position (GRCh38, 1-based): chr7:150,959,577, G>A on the plus strand (C>T on the coding strand, the complement: KCNH2 is on the minus strand). VCF-style: chr7-150959577-G-A. GRCh37 (hg19) VCF-style: chr7-150656665-G-A.
Other names: c.179C>T, p.Ala60Val (NM_001406753.1, NM_001406756.1); c.290C>T, p.Ala97Val (NM_001406755.1); c.167C>T, p.Ala56Val (NM_001406757.1); c.467C>T, p.Ala156Val (NM_172056.3); short protein forms A156V, A60V, A97V, A56V.
Identifiers: ClinVar variation 3722622 (VCV003722622.2).